The following is an entry in ClinVar:

ClinVar aggregate classification (germline): Uncertain significance (1 of 4 stars; one submission).

Allele frequency attached by ClinVar (database versions not stated): gnomAD exomes 0.00001.
gnomAD v4.1: 4 of 1,613,952 alleles (0.00025%); highest among the groups gnomAD compares: Admixed American, 0.0067%; no homozygotes.

Submission:

Labcorp Genetics (formerly Invitae), Labcorp
Classification: Uncertain significance. Last evaluated: 2023-12-25. Review status: criteria provided, single submitter. Criteria: Invitae Variant Classification Sherloc (09022015). Collection method: clinical testing. Allele origin: germline.
Comment: This sequence change replaces proline, which is neutral and non-polar, with serine, which is neutral and polar, at codon 434 of the COL4A2 protein (p.Pro434Ser). This variant is present in population databases (no rsID available, gnomAD 0.009%). This variant has not been reported in the literature in individuals affected with COL4A2-related conditions. Advanced modeling of protein sequence and biophysical properties (such as structural, functional, and spatial information, amino acid conservation, physicochemical variation, residue mobility, and thermodynamic stability) performed at Invitae indicates that this missense variant is not expected to disrupt COL4A2 protein function with a negative predictive value of 95%. In summary, the available evidence is currently insufficient to determine the role of this variant in disease. Therefore, it has been classified as a Variant of Uncertain Significance.

NM_001846.4(COL4A2):c.1300C>T (p.Pro434Ser)

Gene: COL4A2 (collagen type IV alpha 2 chain; plus strand). Cytogenetic location: 13q34.
Variant type: single nucleotide variant.
Coding change: c.1300C>T on transcript NM_001846.4 (MANE Select); coding-DNA position 1300, C replaced by T.
Protein change: p.Pro434Ser; replaces proline 434 with serine.
Molecular consequence: missense variant.
Genome position (GRCh38, 1-based): chr13:110,450,415, C>T. VCF-style: chr13-110450415-C-T. GRCh37 (hg19) VCF-style: chr13-111102762-C-T.
Other names: short protein forms P434S.
Identifiers: ClinVar variation 2989991 (VCV002989991.3), dbSNP rs1183468410, ClinGen allele CA388734690.